The following is an entry in ClinVar:

NM_000535.7(PMS2):c.249_250dup (p.Thr84fs)

Gene: PMS2 (PMS1 homolog 2, mismatch repair system component; minus strand). Cytogenetic location: 7p22.1.
Variant type: Duplication.
Coding change: c.249_250dup on transcript NM_000535.7 (MANE Select); coding-DNA positions 249 to 250, 2 bases duplicated (AA; older notation c.249_250dupAA).
Protein change: p.Thr84fs; shifts the reading frame from threonine 84.
Molecular consequence: frameshift variant. On other transcripts: 5 prime UTR variant (37), non-coding transcript variant (1), intron variant (1).
Genome position (GRCh38, 1-based): chr7:6,003,972-6,003,973, TT duplicated on the plus strand (AA on the coding strand, the reverse complement: PMS2 is on the minus strand). VCF-style (leftmost placement, unchanged base first): chr7-6003971-C-CTT. GRCh37 (hg19) VCF-style: chr7-6043602-C-CTT.
Other names: c.-157_-156dup (NM_001322003.2, NM_001322004.2, NM_001322005.2 and 13 more transcripts); c.249_250dup, p.Thr84fs (NM_001322006.2, NM_001322014.2, NM_001406869.1 and 9 more transcripts); c.34_35dup, p.Asn12fs (NM_001322007.2, NM_001322008.2, NM_001406876.1 and 4 more transcripts); c.-636_-635dup (NM_001322011.2, NM_001322012.2); c.-236_-235dup (NM_001322015.2, NM_001406875.1, NM_001406877.1 and 3 more transcripts); c.435_436dup, p.Thr146fs (NM_001406866.1); c.249_250dup, p.Ile84fs (NM_001406868.1); c.-183_-182dup (NM_001406880.1); and 4 more; short protein forms I84fs, N12fs, T146fs, T84fs.
Identifiers: ClinVar variation 3387519 (VCV003387519.5).
Genomic context (GRCh38, chr7:6,003,971, plus strand): 5'-TCAAAATTCTGAGACATGTGACCCAATTATTTTATAATAGGATTAGAAAAAGTCAACTTA[C>CTT]TTAAGCCTTCGAAGTTTTCTTCTTCTACCCCACATCCATTGTCTGAAACTTCAATAAGAT-3'

ClinVar aggregate classification (germline): Pathogenic. Review status: criteria provided, multiple submitters, no conflicts (2 of 4 stars). 4 submissions from 4 submitters: Pathogenic (4). Last evaluated 2025-05-12.

Conditions:
Hereditary nonpolyposis colorectal neoplasms. Identifiers: MedGen C0009405, MeSH D003123.
Lynch syndrome 4 (LYNCH4). Also called: Colorectal cancer, hereditary nonpolyposis, type 4; Hereditary non-polyposis colorectal cancer, type 4. Identifiers: Orphanet 144, MedGen C1838333, MONDO:0013699, OMIM 614337. Disease mechanism: loss of function.
Hereditary cancer-predisposing syndrome. Also called: Neoplastic Syndromes, Hereditary; Hereditary Cancer Syndrome; Tumor predisposition; Hereditary neoplastic syndrome. Identifiers: Orphanet 140162, MedGen C0027672, MeSH D009386, MONDO:0015356.
Lynch syndrome. Identifiers: Orphanet 144, MedGen C4552100, MONDO:0005835. Disease mechanism: loss of function.

Submissions (4):

Myriad Genetics, Inc.
Classification: Pathogenic for Lynch syndrome 4. Last evaluated: 2025-05-12. Review status: criteria provided, single submitter. Criteria: Myriad Autosomal Dominant, Autosomal Recessive and X-Linked Classification Criteria (2023). Collection method: clinical testing. Allele origin: unknown.
Comment: This variant is considered pathogenic. This variant creates a frameshift predicted to result in premature protein truncation.

Labcorp Genetics (formerly Invitae), Labcorp
Classification: Pathogenic for Hereditary nonpolyposis colorectal neoplasms. Last evaluated: 2024-12-18. Review status: criteria provided, single submitter. Criteria: Invitae Variant Classification Sherloc (09022015). Collection method: clinical testing. Allele origin: germline.
Comment: This sequence change creates a premature translational stop signal (Splice site) in the PMS2 gene. It is expected to result in an absent or disrupted protein product. Loss-of-function variants in PMS2 are known to be pathogenic (PMID: 21376568, 24362816). This variant is not present in population databases (gnomAD no frequency). This variant has not been reported in the literature in individuals affected with PMS2-related conditions. RNA analysis performed to evaluate the impact of this premature translational stop signal on mRNA splicing indicates it does not significantly alter splicing (internal data). For these reasons, this variant has been classified as Pathogenic.

All of Us Research Program, National Institutes of Health
Classification: Pathogenic for Lynch syndrome. Last evaluated: 2024-06-09. Review status: criteria provided, single submitter. Criteria: ACMG Guidelines, 2015. Collection method: clinical testing. Allele origin: germline. Inheritance: Autosomal dominant inheritance. Observed: 1 variant allele, 1 heterozygote.
Comment: This variant inserts 2 nucleotides in exon 3 of the PMS2 gene, creating a frameshift and premature translation stop signal. This variant is expected to result in an absent or non-functional protein product. To our knowledge, this variant has not been reported in individuals affected with PMS2-related disorders in the literature. This variant has not been identified in the general population by the Genome Aggregation Database (gnomAD). Loss of PMS2 function is a known mechanism of disease. Based on the available evidence, this variant is classified as Pathogenic.

This study involves interpretation of variants in research participants for the purpose of population health screening. Participant phenotype was not available at the time of variant classification. Additional details can be found in publication PMID: 35346344, PMCID: PMC8962531

Color Diagnostics, LLC DBA Color Health
Classification: Pathogenic for Hereditary cancer-predisposing syndrome. Last evaluated: 2024-04-10. Review status: criteria provided, single submitter. Criteria: ACMG Guidelines, 2015. Collection method: clinical testing. Allele origin: germline.
Comment: This variant inserts 2 nucleotides in exon 3 of the PMS2 gene, creating a frameshift and premature translation stop signal. This variant is expected to result in an absent or non-functional protein product. To our knowledge, this variant has not been reported in individuals affected with PMS2-related disorders in the literature. This variant has not been identified in the general population by the Genome Aggregation Database (gnomAD). Loss of PMS2 function is a known mechanism of disease. Based on the available evidence, this variant is classified as Pathogenic.

Literature cited by the submitters: PubMed 21376568 (cited by Labcorp Genetics (formerly Invitae), Labcorp); PubMed 24362816 (cited by Labcorp Genetics (formerly Invitae), Labcorp).